The following is an entry in ClinVar:

NM_001110556.2(FLNA):c.1855G>C (p.Ala619Pro)

Gene: FLNA (filamin A; minus strand). Cytogenetic location: Xq28.
Variant type: single nucleotide variant.
Coding change: c.1855G>C on transcript NM_001110556.2 (MANE Select); coding-DNA position 1855, G replaced by C.
Protein change: p.Ala619Pro; replaces alanine 619 with proline.
Molecular consequence: missense variant.
Genome position (GRCh38, 1-based): chrX:154,364,693, C>G on the plus strand (G>C on the coding strand, the complement: FLNA is on the minus strand). VCF-style: chrX-154364693-C-G. GRCh37 (hg19) VCF-style: chrX-153593061-C-G.
Other names: c.1855G>C (NM_001456.3); c.1855G>C, p.Ala619Pro (NM_001456.4); short protein forms A619P.
Identifiers: ClinVar variation 1428223 (VCV001428223.9), dbSNP rs2148116341, ClinGen allele CA415242012.

ClinVar aggregate classification (germline): Uncertain significance. Review status: criteria provided, multiple submitters, no conflicts (2 of 4 stars). 2 submissions from 2 submitters: Uncertain significance (2). Last evaluated 2026-01-10.

Conditions:
Familial thoracic aortic aneurysm and aortic dissection (TAAD). Also called: Thoracic aortic aneurysms and dissections. Identifiers: Orphanet 91387, MedGen C4707243, MONDO:0019625.
Melnick-Needles syndrome (MNS). Also called: MELNICK-NEEDLES OSTEODYSPLASTY; Melnick-Needles Syndrome (FLNA-MNS); OSTEODYSPLASTY OF MELNICK AND NEEDLES. Identifiers: Orphanet 2484, MedGen C0025237, MONDO:0010650, OMIM 309350.
Frontometaphyseal dysplasia (FMD1). Identifiers: Orphanet 1826, MedGen C0265293, MONDO:0015942.
Heterotopia, periventricular, X-linked dominant (PVNH1). Also called: PERIVENTRICULAR NODULAR HETEROTOPIA 1; X-linked periventricular heterotopia; PERIVENTRICULAR NODULAR HETEROTOPIA 4; HETEROTOPIA, PERIVENTRICULAR, 1. Identifiers: Orphanet 2149, Orphanet 82004, MedGen C1848213, MONDO:0010233, OMIM 300049.
Oto-palato-digital syndrome, type II (OPD2). Also called: FACIOPALATOOSSEOUS SYNDROME; Otopalatodigital Syndrome Type 2 (FLNA-OPD2); OPD II SYNDROME; Otopalatodigital Syndrome, Type II. Identifiers: Orphanet 669, Orphanet 90652, MedGen C1844696, MONDO:0010571, OMIM 304120.

Submissions (2):

Ambry Genetics
Classification: Uncertain significance for Familial thoracic aortic aneurysm and aortic dissection. Last evaluated: 2026-01-10. Review status: criteria provided, single submitter. Criteria: Ambry Variant Classification Scheme 2023. Collection method: clinical testing. Allele origin: germline.
Comment: The p.A619P variant (also known as c.1855G>C), located in coding exon 12 of the FLNA gene, results from a G to C substitution at nucleotide position 1855. The alanine at codon 619 is replaced by proline, an amino acid with highly similar properties. This amino acid position is conserved. In addition, this alteration is predicted to be deleterious by in silico analysis. Based on the available evidence, the clinical significance of this variant remains unclear.

Labcorp Genetics (formerly Invitae), Labcorp
Classification: Uncertain significance for Oto-palato-digital syndrome, type II; Heterotopia, periventricular, X-linked dominant; Frontometaphyseal dysplasia; Melnick-Needles syndrome. Last evaluated: 2025-12-27. Review status: criteria provided, single submitter. Criteria: Invitae Variant Classification Sherloc (09022015). Collection method: clinical testing. Allele origin: germline.
Comment: This sequence change replaces alanine, which is neutral and non-polar, with proline, which is neutral and non-polar, at codon 619 of the FLNA protein (p.Ala619Pro). This variant is not present in population databases (gnomAD no frequency). This variant has not been reported in the literature in individuals affected with FLNA-related conditions. ClinVar contains an entry for this variant (Variation ID: 1428223). Invitae Evidence Modeling of protein sequence and biophysical properties (such as structural, functional, and spatial information, amino acid conservation, physicochemical variation, residue mobility, and thermodynamic stability) indicates that this missense variant is not expected to disrupt FLNA protein function with a negative predictive value of 95%. In summary, the available evidence is currently insufficient to determine the role of this variant in disease. Therefore, it has been classified as a Variant of Uncertain Significance.